The following is an entry in ClinVar:

NM_001042492.3(NF1):c.7241A>G (p.His2414Arg)

Gene: NF1 (neurofibromin 1; plus strand). Cytogenetic location: 17q11.2.
Variant type: single nucleotide variant.
Coding change: c.7241A>G on transcript NM_001042492.3 (MANE Select); coding-DNA position 7241, A replaced by G.
Protein change: p.His2414Arg; replaces histidine 2414 with arginine.
Molecular consequence: missense variant.
Genome position (GRCh38, 1-based): chr17:31,349,171, A>G. VCF-style: chr17-31349171-A-G. GRCh37 (hg19) VCF-style: chr17-29676189-A-G.
Other names: c.7178A>G, p.His2393Arg (NM_000267.4); short protein forms H2393R, H2414R.
Identifiers: ClinVar variation 232584 (VCV000232584.11), dbSNP rs876659855, ClinGen allele CA10580401.

ClinVar aggregate classification (germline): Uncertain significance. Review status: criteria provided, multiple submitters, no conflicts (2 of 4 stars). 4 submissions from 4 submitters: Uncertain significance (4). Last evaluated 2024-09-21.

Conditions:
Hereditary cancer-predisposing syndrome. Also called: Hereditary Cancer Syndrome; Neoplastic Syndromes, Hereditary; Tumor predisposition; Hereditary neoplastic syndrome. Identifiers: Orphanet 140162, MedGen C0027672, MeSH D009386, MONDO:0015356.
Neurofibromatosis, type 1 (NF1). Also called: Neurofibromatosis, type I; VON RECKLINGHAUSEN DISEASE; NEUROFIBROMATOSIS, TYPE I, SOMATIC; Peripheral type neurofibromatosis. Identifiers: Orphanet 636, MedGen C0027831, MONDO:0018975, OMIM 162200. Disease mechanism: loss of function.

Allele frequency attached by ClinVar (database versions not stated): gnomAD exomes below 0.00001; gnomAD 0.00001.
gnomAD v4.1: 2 of 1,612,266 alleles (0.00012%); highest among the groups gnomAD compares: Non-Finnish European, 0.00017%; no homozygotes.

Submissions (4):

Labcorp Genetics (formerly Invitae), Labcorp
Classification: Uncertain significance for Neurofibromatosis, type 1. Last evaluated: 2024-09-21. Review status: criteria provided, single submitter. Criteria: Invitae Variant Classification Sherloc (09022015). Collection method: clinical testing. Allele origin: germline.
Comment: This sequence change replaces histidine, which is basic and polar, with arginine, which is basic and polar, at codon 2393 of the NF1 protein (p.His2393Arg). This variant is not present in population databases (gnomAD no frequency). This variant has not been reported in the literature in individuals affected with NF1-related conditions. ClinVar contains an entry for this variant (Variation ID: 232584). Invitae Evidence Modeling of protein sequence and biophysical properties (such as structural, functional, and spatial information, amino acid conservation, physicochemical variation, residue mobility, and thermodynamic stability) indicates that this missense variant is not expected to disrupt NF1 protein function with a negative predictive value of 95%. In summary, the available evidence is currently insufficient to determine the role of this variant in disease. Therefore, it has been classified as a Variant of Uncertain Significance.

GeneDx
Classification: Uncertain significance. Last evaluated: 2022-12-22. Review status: criteria provided, single submitter. Criteria: GeneDx Variant Classification Process June 2021. Collection method: clinical testing. Allele origin: germline. Affected: yes.
Comment: Not observed at significant frequency in large population cohorts (gnomAD); In silico analysis supports that this missense variant does not alter protein structure/function; Has not been previously published as pathogenic or benign to our knowledge

Genome-Nilou Lab
Classification: Uncertain significance for Neurofibromatosis, type 1. Last evaluated: 2022-03-15. Review status: criteria provided, single submitter. Criteria: ACMG Guidelines, 2015. Collection method: clinical testing. Allele origin: germline. Affected: no.

Ambry Genetics
Classification: Uncertain significance for Hereditary cancer-predisposing syndrome. Last evaluated: 2015-07-07. Review status: criteria provided, single submitter. Criteria: Ambry Autosomal Dominant and X-Linked criteria (10/2015). Collection method: clinical testing. Allele origin: germline. Observed: 1 variant allele.
Comment: The p.H2414R variant (also known as c.7241A>G), located in coding exon 49 of the NF1 gene, results from an A to G substitution at nucleotide position 7241. The histidine at codon 2414 is replaced by arginine, an amino acid with highly similar properties. This variant was not reported in population based cohorts in the following databases: Database of Single Nucleotide Polymorphisms (dbSNP), NHLBI Exome Sequencing Project (ESP), and 1000 Genomes Project. In the ESP, this variant was not observed in 6503 samples (13006 alleles) with coverage at this position.To date, this alteration has been detected with an allele frequency of approximately 0.002% (greater than 55000 alleles tested) in our clinical cohort.This amino acid position is well conserved in available vertebrate species.In addition, the in silico prediction for this alteration is inconclusive.Since supporting evidence is limited at this time, the clinical significance of this variant remains unclear.